The following is an entry in ClinVar:

ClinVar aggregate classification (germline): Uncertain significance (1 of 4 stars; one submission).

gnomAD v4.1: 7 of 1,614,102 alleles (0.00043%); highest among the groups gnomAD compares: Middle Eastern, 0.016%; no homozygotes.

Submission:

CeGaT Center for Human Genetics Tuebingen
Classification: Uncertain significance. Last evaluated: 2026-01-01. Review status: criteria provided, single submitter. Criteria: CeGaT Center For Human Genetics Tuebingen Variant Classification Criteria Version 2. Collection method: clinical testing. Allele origin: germline. Affected: yes. Observed: 1 variant allele.
Comment: FASTKD5: PM2, PM3:Supporting

NM_021826.5(FASTKD5):c.1151G>A (p.Arg384Gln)

Genes: FASTKD5 (FASTK mitochondrial RNA regulator 5; minus strand), UBOX5 (U-box domain containing 5; minus strand), UBOX5-AS1 (UBOX5 antisense RNA 1; plus strand). Cytogenetic location: 20p13.
Variant type: single nucleotide variant.
Coding change: c.1151G>A on transcript NM_021826.5 (MANE Select); coding-DNA position 1151, G replaced by A.
Protein change: p.Arg384Gln; replaces arginine 384 with glutamine.
Molecular consequence: missense variant. On other transcripts: intron variant (3).
Genome position (GRCh38, 1-based): chr20:3,147,920, C>T on the plus strand (G>A on the coding strand, the complement: FASTKD5 is on the minus strand). VCF-style: chr20-3147920-C-T. GRCh37 (hg19) VCF-style: chr20-3128566-C-T.
Other names: c.-42+11846G>A (NM_199415.3, NM_001267584.2, NM_014948.4); short protein forms R384Q.
Identifiers: ClinVar variation 4821361 (VCV004821361.4).